The following is an entry in ClinVar:

ClinVar aggregate classification (germline): Uncertain significance (1 of 4 stars; one submission).

Submission:

GeneDx
Classification: Uncertain significance. Last evaluated: 2025-05-20. Review status: criteria provided, single submitter. Criteria: GeneDx Variant Classification Process June 2021. Collection method: clinical testing. Allele origin: germline. Affected: yes.
Comment: Not observed at significant frequency in large population cohorts (gnomAD); In silico analysis suggests that this missense variant does not alter protein structure/function; Has not been previously published as pathogenic or benign to our knowledge

NM_006421.5(ARFGEF1):c.4219G>A (p.Val1407Ile)

Gene: ARFGEF1 (ARF guanine nucleotide exchange factor 1; minus strand). Cytogenetic location: 8q13.2.
Variant type: single nucleotide variant.
Coding change: c.4219G>A on transcript NM_006421.5 (MANE Select); coding-DNA position 4219, G replaced by A.
Protein change: p.Val1407Ile; replaces valine 1407 with isoleucine.
Molecular consequence: missense variant. On other transcripts: non-coding transcript variant (1).
Genome position (GRCh38, 1-based): chr8:67,219,550, C>T on the plus strand (G>A on the coding strand, the complement: ARFGEF1 is on the minus strand). VCF-style: chr8-67219550-C-T. GRCh37 (hg19) VCF-style: chr8-68131785-C-T.
Other names: c.4219G>A, p.Val1407Ile (NM_001413184.1, NM_001413185.1, NM_001413186.1 and 5 more transcripts); c.3619G>A, p.Val1207Ile (NM_001413188.1, NM_001413193.1, NM_001413197.1); c.4213G>A, p.Val1405Ile (NM_001413190.1); c.2794G>A, p.Val932Ile (NM_001413196.1); short protein forms V1207I, V1405I, V1407I, V932I.
Identifiers: ClinVar variation 4532403 (VCV004532403.1).